The following is an entry in ClinVar:

NM_000540.3(RYR1):c.6891+6G>A

Gene: RYR1 (ryanodine receptor 1; plus strand). Cytogenetic location: 19q13.2.
Variant type: single nucleotide variant.
Coding change: c.6891+6G>A on transcript NM_000540.3 (MANE Select); 6 bases into the intron after coding-DNA position 6891, G replaced by A.
Molecular consequence: intron variant.
Genome position (GRCh38, 1-based): chr19:38,496,960, G>A. VCF-style: chr19-38496960-G-A. GRCh37 (hg19) VCF-style: chr19-38987600-G-A.
Other names: c.6891+6G>A (NM_001042723.2).
Identifiers: ClinVar variation 4758478 (VCV004758478.1).

ClinVar aggregate classification (germline): Uncertain significance (1 of 4 stars; one submission).

Conditions:
Malignant hyperthermia, susceptibility to, 1 (MHS1). Also called: RYR1-Related Malignant Hyperthermia Susceptibility; Malignant hyperthermia suceptibility 1; Anesthesia related hyperthermia; Malignant hyperpyrexia; Fulminating hyperpyrexia; Pharmacogenic myopathy. Identifiers: Orphanet 423, MedGen C2930980, MONDO:0007783, OMIM 145600.

gnomAD v4.1: 4 of 1,612,698 alleles (0.00025%); highest among the groups gnomAD compares: African/African-American, 0.0053%; no homozygotes.

Submission:

Color Diagnostics, LLC DBA Color Health
Classification: Uncertain significance for Malignant hyperthermia, susceptibility to, 1. Last evaluated: 2025-06-24. Review status: criteria provided, single submitter. Criteria: ACMG Guidelines, 2015. Collection method: clinical testing. Allele origin: germline.
Comment: This variant causes a G to A nucleotide substitution at the +6 position of intron 42 of the RYR1 gene. To our knowledge, RNA studies have not been reported for this variant. This variant has not been reported in individuals affected with RYR1-related disorders in the literature. This variant has been identified in 2/249372 chromosomes in the general population by the Genome Aggregation Database (gnomAD). The available evidence is insufficient to determine the role of this variant in disease conclusively. Therefore, this variant is classified as a Variant of Uncertain Significance.